The following is an entry in ClinVar:

ClinVar aggregate classification (germline): Uncertain significance. Review status: criteria provided, multiple submitters, no conflicts (2 of 4 stars). 2 submissions from 2 submitters: Uncertain significance (2). Last evaluated 2025-04-24.

Conditions:
Hereditary cancer-predisposing syndrome. Also called: Neoplastic Syndromes, Hereditary; Tumor predisposition; Hereditary neoplastic syndrome; Hereditary Cancer Syndrome. Identifiers: Orphanet 140162, MedGen C0027672, MeSH D009386, MONDO:0015356.

Allele frequency attached by ClinVar (database versions not stated): gnomAD exomes below 0.00001; ExAC 0.00001; gnomAD 0.00001; TOPMed 0.00001.

Submissions (2):

Labcorp Genetics (formerly Invitae), Labcorp
Classification: Uncertain significance. Last evaluated: 2025-04-24. Review status: criteria provided, single submitter. Criteria: Invitae Variant Classification Sherloc (09022015). Collection method: clinical testing. Allele origin: germline.
Comment: This sequence change replaces serine, which is neutral and polar, with phenylalanine, which is neutral and non-polar, at codon 247 of the XRCC2 protein (p.Ser247Phe). This variant is present in population databases (rs780463768, gnomAD 0.004%). This variant has not been reported in the literature in individuals affected with XRCC2-related conditions. ClinVar contains an entry for this variant (Variation ID: 827023). Invitae Evidence Modeling of protein sequence and biophysical properties (such as structural, functional, and spatial information, amino acid conservation, physicochemical variation, residue mobility, and thermodynamic stability) indicates that this missense variant is not expected to disrupt XRCC2 protein function with a negative predictive value of 80%. In summary, the available evidence is currently insufficient to determine the role of this variant in disease. Therefore, it has been classified as a Variant of Uncertain Significance.

Ambry Genetics
Classification: Uncertain significance for Hereditary cancer-predisposing syndrome. Last evaluated: 2025-01-20. Review status: criteria provided, single submitter. Criteria: Ambry Variant Classification Scheme 2023. Collection method: clinical testing. Allele origin: germline.

NM_005431.2(XRCC2):c.740C>T (p.Ser247Phe)

Gene: XRCC2 (X-ray repair cross complementing 2; minus strand). Cytogenetic location: 7q36.1.
Variant type: single nucleotide variant.
Coding change: c.740C>T on transcript NM_005431.2 (MANE Select); coding-DNA position 740, C replaced by T.
Protein change: p.Ser247Phe; replaces serine 247 with phenylalanine.
Molecular consequence: missense variant.
Genome position (GRCh38, 1-based): chr7:152,648,745, G>A on the plus strand (C>T on the coding strand, the complement: XRCC2 is on the minus strand). VCF-style: chr7-152648745-G-A. GRCh37 (hg19) VCF-style: chr7-152345830-G-A.
Other names: short protein forms S247F.
Identifiers: ClinVar variation 827023 (VCV000827023.16), dbSNP rs780463768, ClinGen allele CA4582304.